The following is an entry in ClinVar:

NC_000017.10:g.(?_45297260)_(45300418_?)del

Gene: MYL4 (myosin light chain 4; plus strand). Cytogenetic location: 17q21.32.
Variant type: Deletion.
Identifiers: ClinVar variation 1039908 (VCV001039908.3).

ClinVar aggregate classification (germline): Uncertain significance (1 of 4 stars; one submission).

Conditions:
Atrial fibrillation, familial, 18 (ATFB18). Identifiers: MedGen C4310636, MONDO:0015001, OMIM 617280.

Submission:

Labcorp Genetics (formerly Invitae), Labcorp
Classification: Uncertain significance for Atrial fibrillation, familial, 18. Last evaluated: 2020-07-08. Review status: criteria provided, single submitter. Criteria: Invitae Variant Classification Sherloc (09022015). Collection method: clinical testing. Allele origin: germline.
Comment: In summary, the available evidence is currently insufficient to determine the role of this variant in disease. Therefore, it has been classified as a Variant of Uncertain Significance. Experimental studies and prediction algorithms are not available or were not evaluated, and the functional significance of this variant is currently unknown. This variant has not been reported in the literature in individuals with MYL4-related conditions. This variant is a gross deletion of the genomic region encompassing exon(s) 4-7 of the MYL4 gene. The 5' boundary is likely confined to intron 3. The 3' end of this event is unknown as it extends through the termination codon beyond the assayed region for this gene and may encompass additional genes. While this deletion is not anticipated to result in nonsense mediated decay, it is expected to create a truncated protein product or disrupt mRNA translation.